The following is an entry in ClinVar:

NM_000038.6(APC):c.1549-15_1549-10del

Gene: APC (APC regulator of Wnt signaling pathway; plus strand). Cytogenetic location: 5q22.2.
Variant type: Deletion.
Coding change: c.1549-15_1549-10del on transcript NM_000038.6 (MANE Select); 15 bases into the intron before coding-DNA position 1549 through 10 bases into the intron before coding-DNA position 1549, 6 bases deleted (GTATTT; older notation c.1549-15_1549-10delGTATTT).
Molecular consequence: intron variant.
Genome position (GRCh38, 1-based): chr5:112,827,914-112,827,919, GTATTT deleted; deleting any 6 consecutive bases within chr5:112,827,913-112,827,919 gives the same sequence; the c. name uses the placement nearest the transcript's 3' end. VCF-style (leftmost placement, unchanged base first): chr5-112827912-CTGTATT-C. GRCh37 (hg19) VCF-style: chr5-112163609-CTGTATT-C.
Other names: c.700-15_700-10del (NM_001407470.1, NM_001354906.2); c.397-15_397-10del (NM_001407472.1, NM_001407471.1); c.1603-15_1603-10del (NM_001407447.1, NM_001407448.1, NM_001407449.1 and 1 more transcripts); c.1549-15_1549-10del (NM_001354895.2, NM_001407450.1, NM_001127510.3); c.1300-15_1300-10del (NM_001407456.1, NM_001407457.1, NM_001407455.1 and 1 more transcripts); c.1246-15_1246-10del (NM_001407460.1, NM_001407458.1, NM_001407459.1 and 1 more transcripts); c.1519-15_1519-10del (NM_001407452.1); c.1162-15_1162-10del (NM_001407469.1, NM_001407467.1); and 11 more.
Identifiers: ClinVar variation 2914279 (VCV002914279.5), dbSNP rs2533217036, ClinGen allele CA2674856151.

ClinVar aggregate classification (germline): Likely benign. Review status: criteria provided, multiple submitters, no conflicts (2 of 4 stars). 3 submissions from 3 submitters: Likely benign (3). Last evaluated 2025-07-07.

Conditions:
Hereditary cancer-predisposing syndrome. Also called: Neoplastic Syndromes, Hereditary; Tumor predisposition; Hereditary Cancer Syndrome; Hereditary neoplastic syndrome. Identifiers: Orphanet 140162, MedGen C0027672, MeSH D009386, MONDO:0015356.
Familial adenomatous polyposis 1 (FAP1). Also called: FAMILIAL ADENOMATOUS POLYPOSIS 1, ATTENUATED; POLYPOSIS, ADENOMATOUS INTESTINAL. Identifiers: MedGen C2713442, MONDO:0021056, OMIM 175100. Disease mechanism: loss of function.

Submissions (3):

Color Diagnostics, LLC DBA Color Health
Classification: Likely benign for Hereditary cancer-predisposing syndrome. Last evaluated: 2025-07-07. Review status: criteria provided, single submitter. Criteria: ACMG Guidelines, 2015. Collection method: clinical testing. Allele origin: germline.

Myriad Genetics, Inc.
Classification: Likely benign for Familial adenomatous polyposis 1. Last evaluated: 2024-03-07. Review status: criteria provided, single submitter. Criteria: Myriad Autosomal Dominant, Autosomal Recessive and X-Linked Classification Criteria (2023). Collection method: clinical testing. Allele origin: unknown.
Comment: This variant is considered likely benign. This variant is intronic and is not expected to impact mRNA splicing.

Labcorp Genetics (formerly Invitae), Labcorp
Classification: Likely benign for Familial adenomatous polyposis 1. Last evaluated: 2023-08-02. Review status: criteria provided, single submitter. Criteria: Invitae Variant Classification Sherloc (09022015). Collection method: clinical testing. Allele origin: germline.